The following is an entry in ClinVar:

ClinVar aggregate classification (germline): Uncertain significance (1 of 4 stars; one submission).

gnomAD v4.1: 1 of 1,614,198 alleles (0.000062%); highest among the groups gnomAD compares: African/African-American, 0.0013%; no homozygotes.

Submission:

Ambry Genetics
Classification: Uncertain significance. Last evaluated: 2022-01-08. Review status: criteria provided, single submitter. Criteria: Ambry Variant Classification Scheme 2023. Collection method: clinical testing. Allele origin: germline.
Comment: The p.V1227L variant (also known as c.3679G>C), located in coding exon 17 of the NPAT gene, results from a G to C substitution at nucleotide position 3679. The valine at codon 1227 is replaced by leucine, an amino acid with highly similar properties. This amino acid position is conserved. In addition, this alteration is predicted to be tolerated by in silico analysis. Since supporting evidence is limited at this time, the clinical significance of this alteration remains unclear.

NM_002519.3(NPAT):c.3679G>C (p.Val1227Leu)

Gene: NPAT (nuclear protein, coactivator of histone transcription; minus strand). Cytogenetic location: 11q22.3.
Variant type: single nucleotide variant.
Coding change: c.3679G>C on transcript NM_002519.3 (MANE Select); coding-DNA position 3679, G replaced by C.
Protein change: p.Val1227Leu; replaces valine 1227 with leucine.
Molecular consequence: missense variant.
Genome position (GRCh38, 1-based): chr11:108,161,407, C>G on the plus strand (G>C on the coding strand, the complement: NPAT is on the minus strand). VCF-style: chr11-108161407-C-G. GRCh37 (hg19) VCF-style: chr11-108032134-C-G.
Other names: c.3700G>C, p.Val1234Leu (NM_001321307.1); short protein forms V1227L, V1234L.
Identifiers: ClinVar variation 1733855 (VCV001733855.2), dbSNP rs1055252784, ClinGen allele CA228373613.
Genomic context (GRCh38, chr11:108,161,407, plus strand): 5'-ACATTTCTGTGGTAATCAAAGAACTGGCGGATTTAGTTTGTTCTTGTTTTAGATCCTTCA[C>G]AGCTGTACCTACTGAAAGTACATTTTTATTGTTTGAAGATGTGCCTTGTTTTTTGGTCAT-3'
Protein context (NP_002510.2, residues 1217-1237): NKNVLSVGTA[Val1227Leu]KDLKQEQTKS